The following is an entry in ClinVar:

NM_000257.4(MYH7):c.4874T>C (p.Met1625Thr)

Genes: MHRT (myosin heavy chain associated RNA transcript; plus strand), MYH7 (myosin heavy chain 7; minus strand), LOC126861897 (BRD4-independent group 4 enhancer GRCh37_chr14:23884455-23885654; plus strand). Cytogenetic location: 14q11.2.
Variant type: single nucleotide variant.
Coding change: c.4874T>C on transcript NM_000257.4 (MANE Select); coding-DNA position 4874, T replaced by C.
Protein change: p.Met1625Thr; replaces methionine 1625 with threonine.
Molecular consequence: missense variant. On other transcripts: non-coding transcript variant (1).
Genome position (GRCh38, 1-based): chr14:23,416,083, A>G on the plus strand (T>C on the coding strand, the complement: MYH7 is on the minus strand). VCF-style: chr14-23416083-A-G. GRCh37 (hg19) VCF-style: chr14-23885292-A-G.
Other names: c.4874T>C, p.Met1625Thr (NM_001407004.1); short protein forms M1625T.
Identifiers: ClinVar variation 3620355 (VCV003620355.2).

ClinVar aggregate classification (germline): Uncertain significance (1 of 4 stars; one submission).

Conditions:
Hypertrophic cardiomyopathy. Also called: HYPERTROPHIC MYOCARDIOPATHY. Identifiers: Orphanet 217569, MedGen C0007194, MeSH D002312, MONDO:0005045, HP:0001639.

Submission:

Labcorp Genetics (formerly Invitae), Labcorp
Classification: Uncertain significance for Hypertrophic cardiomyopathy. Last evaluated: 2024-02-22. Review status: criteria provided, single submitter. Criteria: Invitae Variant Classification Sherloc (09022015). Collection method: clinical testing. Allele origin: germline.
Comment: This sequence change replaces methionine, which is neutral and non-polar, with threonine, which is neutral and polar, at codon 1625 of the MYH7 protein (p.Met1625Thr). This variant is not present in population databases (gnomAD no frequency). This variant has not been reported in the literature in individuals affected with MYH7-related conditions. Advanced modeling of protein sequence and biophysical properties (such as structural, functional, and spatial information, amino acid conservation, physicochemical variation, residue mobility, and thermodynamic stability) performed at Invitae indicates that this missense variant is expected to disrupt MYH7 protein function with a positive predictive value of 95%. In summary, the available evidence is currently insufficient to determine the role of this variant in disease. Therefore, it has been classified as a Variant of Uncertain Significance.